The following is an entry in ClinVar:

ClinVar aggregate classification (germline): Uncertain significance (1 of 4 stars; one submission).

Conditions:
Developmental and epileptic encephalopathy, 11 (DEE11). Also called: Early infantile epileptic encephalopathy 11. Identifiers: Orphanet 1934, MedGen C3150987, MONDO:0013388, OMIM 613721.

Submission:

Neuberg Centre For Genomic Medicine, NCGM
Classification: Uncertain significance for Developmental and epileptic encephalopathy, 11. Review status: criteria provided, single submitter. Criteria: ACMG Guidelines, 2015. Collection method: clinical testing. Allele origin: germline. Affected: yes.
Comment: The missense variant p.A263S in SCN2A (NM_021007.3) has not been reported previously as a pathogenic or a benign variant. It causes a change at the same amino acid residue as a previously established pathogenic variant A263V (LOVD database). The p.A263S variant is novel (not in any individuals) in gnomAD Exomes and is novel (not in any individuals) in 1000 Genomes.The p.A263S missense variant is predicted to be damaging by both SIFT and PolyPhen2. The alanine residue at codon 263 of SCN2A is conserved in all mammalian species. The nucleotide c.787 in SCN2A is predicted conserved by GERP++ and PhyloP across 100 vertebrates. For these reasons, this variant has been classified as Uncertain Significance.

NM_001040142.2(SCN2A):c.787G>T (p.Ala263Ser)

Gene: SCN2A (sodium voltage-gated channel alpha subunit 2; plus strand). Cytogenetic location: 2q24.3.
Variant type: single nucleotide variant.
Coding change: c.787G>T on transcript NM_001040142.2 (MANE Select); coding-DNA position 787, G replaced by T.
Protein change: p.Ala263Ser; replaces alanine 263 with serine.
Molecular consequence: missense variant.
Genome position (GRCh38, 1-based): chr2:165,310,412, G>T. VCF-style: chr2-165310412-G-T. GRCh37 (hg19) VCF-style: chr2-166166922-G-T.
Other names: c.787G>T, p.Ala263Ser (NM_001040143.2, NM_001371246.1, NM_001371247.1 and 1 more transcripts); short protein forms A263S.
Identifiers: ClinVar variation 1878665 (VCV001878665.1), dbSNP rs1697364931, ClinGen allele CA349018093.